The following is an entry in ClinVar:

NM_001375765.1(GIGYF1):c.666C>A (p.Asp222Glu)

Gene: GIGYF1 (GRB10 interacting GYF protein 1; minus strand). Cytogenetic location: 7q22.1.
Variant type: single nucleotide variant.
Coding change: c.666C>A on transcript NM_001375765.1 (MANE Select); coding-DNA position 666, C replaced by A.
Protein change: p.Asp222Glu; replaces aspartic acid 222 with glutamic acid.
Molecular consequence: missense variant. On other transcripts: non-coding transcript variant (1).
Genome position (GRCh38, 1-based): chr7:100,686,677, G>T on the plus strand (C>A on the coding strand, the complement: GIGYF1 is on the minus strand). VCF-style: chr7-100686677-G-T. GRCh37 (hg19) VCF-style: chr7-100284300-G-T.
Other names: NM_022574.4:c.666C>A; c.666C>A, p.Asp222Glu (NM_001375759.1, NM_001375760.1, NM_001375761.1 and 6 more transcripts); short protein forms D222E.
Identifiers: ClinVar variation 3099783 (VCV003099783.2), dbSNP rs537109599, ClinGen allele CA4388906.

ClinVar aggregate classification (germline): Uncertain significance. Review status: criteria provided, single submitter (1 of 4 stars). 2 submissions from 2 submitters: Uncertain significance (1). 1 of the submissions does not count toward it. Last evaluated 2022-12-19.

Conditions:
GIGYF1-related disorder. Also called: GIGYF1-related condition.

gnomAD v4.1: 63 of 1,612,624 alleles (0.0039%); highest among the groups gnomAD compares: Non-Finnish European, 0.0049%; no homozygotes.

Submissions (2):

Ambry Genetics
Classification: Uncertain significance. Last evaluated: 2022-12-19. Review status: criteria provided, single submitter. Criteria: Ambry Variant Classification Scheme 2023. Collection method: clinical testing. Allele origin: germline.

PreventionGenetics, part of Exact Sciences
Classification: Uncertain significance for GIGYF1-related condition. Last evaluated: 2024-03-28. Review status: no assertion criteria provided. Collection method: clinical testing. Allele origin: germline. Not counted in ClinVar's aggregate classification.
Comment: The GIGYF1 c.666C>A variant is predicted to result in the amino acid substitution p.Asp222Glu. To our knowledge, this variant has not been reported in the literature. This variant is reported in 0.010% of alleles in individuals of European (Non-Finnish) descent in gnomAD. At this time, the clinical significance of this variant is uncertain due to the absence of conclusive functional and genetic evidence.